The following is an entry in ClinVar:

ClinVar aggregate classification (germline): Uncertain significance (1 of 4 stars; one submission).

Allele frequency attached by ClinVar (database versions not stated): gnomAD exomes below 0.00001; gnomAD 0.00001; TOPMed 0.00001; ExAC 0.00002.
gnomAD v4.1: 63 of 1,612,784 alleles (0.0039%); highest among the groups gnomAD compares: Non-Finnish European, 0.0051%; no homozygotes.

Submission:

Labcorp Genetics (formerly Invitae), Labcorp
Classification: Uncertain significance. Last evaluated: 2023-07-10. Review status: criteria provided, single submitter. Criteria: Invitae Variant Classification Sherloc (09022015). Collection method: clinical testing. Allele origin: germline.
Comment: This variant is present in population databases (rs756763046, gnomAD 0.0009%). This variant has not been reported in the literature in individuals affected with KMT2C-related conditions. ClinVar contains an entry for this variant (Variation ID: 1510963). Advanced modeling of protein sequence and biophysical properties (such as structural, functional, and spatial information, amino acid conservation, physicochemical variation, residue mobility, and thermodynamic stability) performed at Invitae indicates that this missense variant is not expected to disrupt KMT2C protein function. Algorithms developed to predict the effect of sequence changes on RNA splicing suggest that this variant may create or strengthen a splice site. In summary, the available evidence is currently insufficient to determine the role of this variant in disease. Therefore, it has been classified as a Variant of Uncertain Significance. This sequence change replaces proline, which is neutral and non-polar, with leucine, which is neutral and non-polar, at codon 1472 of the KMT2C protein (p.Pro1472Leu).

NM_170606.3(KMT2C):c.4415C>T (p.Pro1472Leu)

Gene: KMT2C (lysine methyltransferase 2C; minus strand). Cytogenetic location: 7q36.1.
Variant type: single nucleotide variant.
Coding change: c.4415C>T on transcript NM_170606.3 (MANE Select); coding-DNA position 4415, C replaced by T.
Protein change: p.Pro1472Leu; replaces proline 1472 with leucine.
Molecular consequence: missense variant.
Genome position (GRCh38, 1-based): chr7:152,194,532, G>A on the plus strand (C>T on the coding strand, the complement: KMT2C is on the minus strand). VCF-style: chr7-152194532-G-A. GRCh37 (hg19) VCF-style: chr7-151891617-G-A.
Other names: short protein forms P1472L.
Identifiers: ClinVar variation 1510963 (VCV001510963.8), dbSNP rs756763046, ClinGen allele CA4580542.
Genomic context (GRCh38, chr7:152,194,532, plus strand): 5'-AGGATCCCATCTAGCTGTTCTTCACTTAATGGTCGTGAACTCTGATTGACATTTGGCTGA[G>A]GCAAAGAGGAAGGATCATCAGTGACAGGACCAATATCTACAAGAGTAAGGAAAATAAATT-3'
Protein context (NP_733751.2, residues 1462-1482): GPVTDDPSSL[Pro1472Leu]QPNVNQSSRP